The following is an entry in ClinVar:

NC_000020.10:g.(?_34013855)_(34022482_?)del

Genes: GDF5 (growth differentiation factor 5; minus strand), GDF5-AS1 (GDF5 antisense RNA 1; plus strand). Cytogenetic location: 20q11.22.
Variant type: Deletion.
Identifiers: ClinVar variation 1437205 (VCV001437205.7).

ClinVar aggregate classification (germline): Pathogenic (1 of 4 stars; one submission).

Submission:

Labcorp Genetics (formerly Invitae), Labcorp
Classification: Pathogenic. Last evaluated: 2022-09-08. Review status: criteria provided, single submitter. Criteria: Invitae Variant Classification Sherloc (09022015). Collection method: clinical testing. Allele origin: germline.
Comment: For these reasons, this variant has been classified as Pathogenic. This variant disrupts a region of the GDF5 protein in which other variant(s) (p.Arg331Profs*122) have been determined to be pathogenic (Invitae). This suggests that this is a clinically significant region of the protein, and that variants that disrupt it are likely to be disease-causing. This variant has not been reported in the literature in individuals affected with GDF5-related conditions. This variant results in the deletion of part of exon 2 (c.731_*7852delins24) of the GDF5 gene. While this deletion is not anticipated to lead to nonsense mediated decay, it is expected to alter mRNA translation or result in a truncated protein product.